The following is an entry in ClinVar:

NM_006949.4(STXBP2):c.247-2_284del

Gene: STXBP2 (syntaxin binding protein 2; plus strand). Cytogenetic location: 19p13.2.
Variant type: Deletion.
Coding change: c.247-2_284del on transcript NM_006949.4 (MANE Select); the canonical splice acceptor site of the intron before coding-DNA position 247 through coding-DNA position 284, 40 bases deleted.
Molecular consequence: splice acceptor variant. On other transcripts: frameshift variant (1).
Genome position (GRCh38, 1-based): chr19:7,640,729-7,640,768, 40 bases deleted; deleting any 40 consecutive bases within chr19:7,640,725-7,640,768 gives the same sequence; the c. name uses the placement nearest the transcript's 3' end. GRCh37 (hg19): chr19:7,705,615-7,705,654.
Other names: c.278_317del, p.Gln93fs (NM_001272034.2); c.151-2_188del (NM_001414484.1); c.247-11_275del (NM_001127396.3); short protein forms Q93fs.
Identifiers: ClinVar variation 2759726 (VCV002759726.3), dbSNP rs2512691532, ClinGen allele CA2697556189.

ClinVar aggregate classification (germline): Likely pathogenic (1 of 4 stars; one submission).

Conditions:
Familial hemophagocytic lymphohistiocytosis 5. Also called: STXBP2-Related Familial Hemophagocytic Lymphohistiocytosis (STXBP2-fHLH). Identifiers: Orphanet 540, MedGen C2751293, MONDO:0013135, OMIM 613101.

Submission:

Labcorp Genetics (formerly Invitae), Labcorp
Classification: Likely pathogenic for Familial hemophagocytic lymphohistiocytosis 5. Last evaluated: 2023-09-10. Review status: criteria provided, single submitter. Criteria: Invitae Variant Classification Sherloc (09022015). Collection method: clinical testing. Allele origin: germline.
Comment: In summary, the currently available evidence indicates that the variant is pathogenic, but additional data are needed to prove that conclusively. Therefore, this variant has been classified as Likely Pathogenic. This variant has not been reported in the literature in individuals affected with STXBP2-related conditions. This variant is not present in population databases (gnomAD no frequency). This variant results in the deletion of part of exon 5 (c.247-2_284del) of the STXBP2 gene. It is expected to disrupt RNA splicing. Variants that disrupt the donor or acceptor splice site typically lead to a loss of protein function (PMID: 16199547), and loss-of-function variants in STXBP2 are known to be pathogenic (PMID: 19804848, 22451424).

Literature cited by the submitters: PubMed 16199547; PubMed 19804848; PubMed 22451424.